The following is an entry in ClinVar:

NM_002875.5(RAD51):c.754C>A (p.Leu252Ile)

Gene: RAD51 (RAD51 recombinase; plus strand). Cytogenetic location: 15q15.1.
Variant type: single nucleotide variant.
Coding change: c.754C>A on transcript NM_002875.5 (MANE Select); coding-DNA position 754, C replaced by A.
Protein change: p.Leu252Ile; replaces leucine 252 with isoleucine.
Molecular consequence: missense variant.
Genome position (GRCh38, 1-based): chr15:40,729,614, C>A. VCF-style: chr15-40729614-C-A. GRCh37 (hg19) VCF-style: chr15-41021812-C-A.
Other names: c.757C>A, p.Leu253Ile (NM_001164269.2, NM_133487.4); c.754C>A, p.Leu252Ile (NM_001164270.2); short protein forms L252I, L253I.
Identifiers: ClinVar variation 1759469 (VCV001759469.2), dbSNP rs1015133204, ClinGen allele CA268850589.

ClinVar aggregate classification (germline): Uncertain significance (1 of 4 stars; one submission).

Conditions:
Inborn genetic diseases. Identifiers: MedGen C0950123, MeSH D030342.

Allele frequency attached by ClinVar (database versions not stated): TOPMed below 0.00001.

Submission:

Ambry Genetics
Classification: Uncertain significance for Inborn genetic diseases. Last evaluated: 2022-10-11. Review status: criteria provided, single submitter. Criteria: Ambry Variant Classification Scheme 2023. Collection method: clinical testing. Allele origin: germline.
Comment: The p.L252I variant (also known as c.754C>A), located in coding exon 7 of the RAD51 gene, results from a C to A substitution at nucleotide position 754. The leucine at codon 252 is replaced by isoleucine, an amino acid with highly similar properties. This amino acid position is conserved. In addition, the in silico prediction for this alteration is inconclusive. Since supporting evidence is limited at this time, the clinical significance of this alteration remains unclear.